The following is an entry in ClinVar:

NM_004006.3(DMD):c.7569G>C (p.Arg2523Ser)

Gene: DMD (dystrophin; minus strand). Cytogenetic location: Xp21.1.
Variant type: single nucleotide variant.
Coding change: c.7569G>C on transcript NM_004006.3 (MANE Select); coding-DNA position 7569, G replaced by C.
Protein change: p.Arg2523Ser; replaces arginine 2523 with serine.
Molecular consequence: missense variant.
Genome position (GRCh38, 1-based): chrX:31,729,722, C>G on the plus strand (G>C on the coding strand, the complement: DMD is on the minus strand). VCF-style: chrX-31729722-C-G. GRCh37 (hg19) VCF-style: chrX-31747839-C-G.
Other names: c.7545G>C, p.Arg2515Ser (NM_000109.4); c.7557G>C, p.Arg2519Ser (NM_004009.3); c.7200G>C, p.Arg2400Ser (NM_004010.3); c.3546G>C, p.Arg1182Ser (NM_004011.4); c.3537G>C, p.Arg1179Ser (NM_004012.4); c.189G>C, p.Arg63Ser (NM_004013.3, NM_004020.4, NM_004021.3 and 2 more transcripts); short protein forms R1179S, R1182S, R2400S, R2515S, R2519S, R2523S, R63S.
Identifiers: ClinVar variation 4688895 (VCV004688895.1).

ClinVar aggregate classification (germline): Uncertain significance (1 of 4 stars; one submission).

Submission:

Women's Health and Genetics/Laboratory Corporation of America, LabCorp
Classification: Uncertain significance. Last evaluated: 2025-12-23. Review status: criteria provided, single submitter. Criteria: LabCorp Variant Classification Summary - May 2015. Collection method: clinical testing. Allele origin: germline.
Comment: Variant summary: DMD c.7569G>C (p.Arg2523Ser) results in a non-conservative amino acid change in the encoded protein sequence. Algorithms developed to predict the effect of missense changes on protein structure and function are either unavailable or do not agree on the potential impact of this missense change. The variant was absent in 183509 control chromosomes. The available data on variant occurrences in the general population are insufficient to allow any conclusion about variant significance. To our knowledge, no occurrence of c.7569G>C in individuals affected with DMD-related conditions and no experimental evidence demonstrating its impact on protein function have been reported. No submitters have cited clinical-significance assessments for this variant to ClinVar. Based on the evidence outlined above, the variant was classified as uncertain significance.